The following is an entry in ClinVar:

ClinVar aggregate classification (germline): Likely pathogenic (1 of 4 stars; one submission).

Conditions:
Hereditary diffuse gastric adenocarcinoma (HDGC). Also called: DIFFUSE GASTRIC AND LOBULAR BREAST CANCER SYNDROME. Identifiers: Orphanet 26106, MedGen C1708349, MONDO:0007648, OMIM 137215.

Submission:

Labcorp Genetics (formerly Invitae), Labcorp
Classification: Likely pathogenic for Hereditary diffuse gastric adenocarcinoma. Last evaluated: 2017-05-26. Review status: criteria provided, single submitter. Criteria: Invitae Variant Classification Sherloc (09022015). Collection method: clinical testing. Allele origin: germline.
Comment: This variant is a gross duplication of the genomic region encompassing exon 3 of the CDH1 gene. While the exact position of the duplicated exon cannot be determined from this data, the duplicated copy of this region is likely in tandem and may result in an absent or disrupted protein product. While duplications of exon 3 have not been reported in the literature, loss-of-function variants in CDH1 are known to be pathogenic (PMID: 15235021, 20373070). In summary, sub-genic duplications are generally in tandem (PMID: 25640679), and result in an absent or disrupted protein. However, the exact location of this duplication has not been confirmed. Therefore, it has been classified as Likely Pathogenic.

NC_000016.9:g.(?_68835567)_(68835802_?)dup

Gene: CDH1 (cadherin 1; plus strand). Cytogenetic location: 16q22.1.
Variant type: Duplication.
Identifiers: ClinVar variation 463686 (VCV000463686.1).